The following is an entry in ClinVar:

ClinVar aggregate classification (germline): Benign/Likely benign. Review status: criteria provided, multiple submitters, no conflicts (2 of 4 stars). 9 submissions from 9 submitters: Benign (2); Likely benign (6). 1 of the submissions does not count toward it. Last evaluated 2025-09-04.

Conditions:
Tuberous sclerosis 2 (TSC2). Identifiers: Orphanet 805, MedGen C1860707, MONDO:0013199, OMIM 613254.
Lymphangiomyomatosis (LAM). Also called: Lymphangioleiomyomatosis, somatic; Lymphangioleiomyomatosis. Identifiers: Orphanet 538, MedGen C0751674, MONDO:0011705, OMIM 606690.
Isolated focal cortical dysplasia type II (FCORD2). Also called: Focal cortical dysplasia type II; CORTICAL DYSPLASIA OF TAYLOR. Identifiers: Orphanet 268994, MedGen C1846385, MONDO:0011818, OMIM 607341, HP:0032051.
TSC2-related disorder. Also called: TSC2-Related Disorders; TSC2-related condition.
Tuberous sclerosis syndrome (TSC). Also called: Tuberous Sclerosis Complex; Tuberous sclerosis. Identifiers: Orphanet 805, MedGen C0041341, MONDO:0001734.
Hereditary cancer-predisposing syndrome. Also called: Neoplastic Syndromes, Hereditary; Tumor predisposition; Hereditary Cancer Syndrome; Hereditary neoplastic syndrome. Identifiers: Orphanet 140162, MedGen C0027672, MeSH D009386, MONDO:0015356.

Allele frequency attached by ClinVar (database versions not stated): gnomAD exomes below 0.00001; TOPMed below 0.00001; gnomAD 0.00001.
gnomAD v4.1: 5 of 1,596,818 alleles (0.00031%); highest among the groups gnomAD compares: South Asian, 0.0011%; no homozygotes.

Submissions (9):

Labcorp Genetics (formerly Invitae), Labcorp
Classification: Likely benign for Tuberous sclerosis 2. Last evaluated: 2025-09-04. Review status: criteria provided, single submitter. Criteria: Invitae Variant Classification Sherloc (09022015). Collection method: clinical testing. Allele origin: germline.

Myriad Genetics, Inc.
Classification: Benign for Tuberous sclerosis 2. Last evaluated: 2025-05-16. Review status: criteria provided, single submitter. Criteria: Myriad Autosomal Dominant, Autosomal Recessive and X-Linked Classification Criteria (2023). Collection method: clinical testing. Allele origin: unknown.
Comment: This variant is considered benign. This variant is a silent/synonymous amino acid change and it is not expected to impact splicing.

All of Us Research Program, National Institutes of Health
Classification: Likely benign for Tuberous sclerosis syndrome. Last evaluated: 2023-12-18. Review status: criteria provided, single submitter. Criteria: ACMG Guidelines, 2015. Collection method: clinical testing. Allele origin: germline. Inheritance: Autosomal dominant inheritance. Observed: 3 variant alleles, 3 heterozygotes.
Comment: This study involves interpretation of variants in research participants for the purpose of population health screening. Participant phenotype was not available at the time of variant classification. Additional details can be found in publication PMID: 35346344, PMCID: PMC8962531

Color Diagnostics, LLC DBA Color Health
Classification: Likely benign for Tuberous sclerosis syndrome. Last evaluated: 2022-09-23. Review status: criteria provided, single submitter. Criteria: ACMG Guidelines, 2015. Collection method: clinical testing. Allele origin: germline.

Fulgent Genetics
Classification: Likely benign for Lymphangiomyomatosis; Isolated focal cortical dysplasia type II; Tuberous sclerosis 2. Last evaluated: 2021-12-22. Review status: criteria provided, single submitter. Criteria: ACMG Guidelines, 2015. Collection method: clinical testing. Allele origin: unknown.

Genome-Nilou Lab
Classification: Benign for Tuberous sclerosis 2. Last evaluated: 2021-11-07. Review status: criteria provided, single submitter. Criteria: ACMG Guidelines, 2015. Collection method: clinical testing. Allele origin: germline. Affected: no.

Ambry Genetics
Classification: Likely benign for Hereditary cancer-predisposing syndrome. Last evaluated: 2019-08-19. Review status: criteria provided, single submitter. Criteria: Ambry Variant Classification Scheme 2023. Collection method: clinical testing. Allele origin: germline.

GeneDx
Classification: Likely benign. Last evaluated: 2018-01-10. Review status: criteria provided, single submitter. Criteria: GeneDx Variant Classification (06012015). Collection method: clinical testing. Allele origin: germline. Affected: yes.
Comment: This variant is considered likely benign or benign based on one or more of the following criteria: it is a conservative change, it occurs at a poorly conserved position in the protein, it is predicted to be benign by multiple in silico algorithms, and/or has population frequency not consistent with disease.

PreventionGenetics, part of Exact Sciences
Classification: Likely benign for TSC2-related condition. Last evaluated: 2023-04-25. Review status: no assertion criteria provided. Collection method: clinical testing. Allele origin: germline. Not counted in ClinVar's aggregate classification.
Comment: This variant is classified as likely benign based on ACMG/AMP sequence variant interpretation guidelines (Richards et al. 2015 PMID: 25741868, with internal and published modifications).

NM_000548.5(TSC2):c.2058C>T (p.Tyr686=)

Gene: TSC2 (TSC complex subunit 2; plus strand). Cytogenetic location: 16p13.3.
Variant type: single nucleotide variant.
Coding change: c.2058C>T on transcript NM_000548.5 (MANE Select); coding-DNA position 2058, C replaced by T.
Protein change: p.Tyr686=; no amino-acid change (tyrosine 686 retained).
Molecular consequence: synonymous variant.
Genome position (GRCh38, 1-based): chr16:2,071,895, C>T. VCF-style: chr16-2071895-C-T. GRCh37 (hg19) VCF-style: chr16-2121896-C-T.
Other names: c.2058C>T, p.Tyr686= (NM_001077183.3, NM_001114382.3, NM_001363528.2 and 3 more transcripts); c.1947C>T, p.Tyr649= (NM_001318827.2); c.1911C>T, p.Tyr637= (NM_001318829.2); c.1458C>T, p.Tyr486= (NM_001318831.2); c.2091C>T, p.Tyr697= (NM_001318832.2); c.2058C>T (NM_000548.4).
Identifiers: ClinVar variation 514750 (VCV000514750.23), dbSNP rs1186913814, ClinGen allele CA493042619.